The following is an entry in ClinVar:

ClinVar aggregate classification (germline): Uncertain significance. Review status: criteria provided, multiple submitters, no conflicts (2 of 4 stars). 6 submissions from 6 submitters: Uncertain significance (6). Last evaluated 2025-10-18.

Conditions:
Inborn genetic diseases. Identifiers: MedGen C0950123, MeSH D030342.
Zellweger spectrum disorders (ZS). Also called: Zellweger syndrome; Zellweger Spectrum Disorder; Zellweger Spectrum; Zellweger Spectrum Disorder (ZSD). Identifiers: Orphanet 912, MedGen C0043459, MONDO:0019609.
Peroxisome biogenesis disorder 1A (Zellweger) (PBD1A). Also called: Zellweger leukodystrophy; Peroxisome biogenesis disorder 1a. Identifiers: MedGen C4721541, MONDO:0008953, OMIM 214100.
Heimler syndrome 1 (HMLR1). Also called: PEROXISOME BIOGENESIS DISORDER 1C. Identifiers: Orphanet 3220, MedGen C4551980, OMIM 234580, MONDO:0024544.
Peroxisome biogenesis disorder 1B (PBD1B). Also called: PEROXISOME BIOGENESIS DISORDER (NALD/IRD); ADRENOLEUKODYSTROPHY, AUTOSOMAL NEONATAL; Refsum disease, infantile form; Infantile Refsum disease; Infantile form of phytanic acid storage disease; PEROXISOME BIOGENESIS DISORDER (NEONATAL ADRENOLEUKODYSTROPHY/INFANTILE REFSUM DISEASE). Identifiers: Orphanet 44, MedGen C0282527, MONDO:0011101, OMIM 601539.

Allele frequency attached by ClinVar (database versions not stated): gnomAD exomes below 0.00001 and 0.00001; ExAC 0.00001; gnomAD 0.00001; TOPMed 0.00001.
gnomAD v4.1: 16 of 1,613,946 alleles (0.00099%); highest among the groups gnomAD compares: Middle Eastern, 0.099%; no homozygotes.

Submissions (6):

Ambry Genetics
Classification: Uncertain significance for Inborn genetic diseases. Last evaluated: 2025-10-18. Review status: criteria provided, single submitter. Criteria: Ambry Variant Classification Scheme 2023. Collection method: clinical testing. Allele origin: germline.

Blueprint Genetics
Classification: Uncertain significance. Last evaluated: 2024-10-15. Review status: criteria provided, single submitter. Criteria: ACMG Guidelines, 2015. Collection method: clinical testing. Allele origin: germline.

Labcorp Genetics (formerly Invitae), Labcorp
Classification: Uncertain significance for Zellweger spectrum disorders. Last evaluated: 2022-08-31. Review status: criteria provided, single submitter. Criteria: Invitae Variant Classification Sherloc (09022015). Collection method: clinical testing. Allele origin: germline.
Comment: This sequence change replaces glycine, which is neutral and non-polar, with glutamic acid, which is acidic and polar, at codon 85 of the PEX1 protein (p.Gly85Glu). This variant is present in population databases (rs771224088, gnomAD 0.003%). This variant has not been reported in the literature in individuals affected with PEX1-related conditions. ClinVar contains an entry for this variant (Variation ID: 502318). Algorithms developed to predict the effect of missense changes on protein structure and function are either unavailable or do not agree on the potential impact of this missense change (SIFT: "Deleterious"; PolyPhen-2: "Probably Damaging"; Align-GVGD: "Class C0"). In summary, the available evidence is currently insufficient to determine the role of this variant in disease. Therefore, it has been classified as a Variant of Uncertain Significance.

Fulgent Genetics
Classification: Uncertain significance for Peroxisome biogenesis disorder 1A (Zellweger); Heimler syndrome 1; Peroxisome biogenesis disorder 1B. Last evaluated: 2018-10-31. Review status: criteria provided, single submitter. Criteria: ACMG Guidelines, 2015. Collection method: clinical testing. Allele origin: unknown.

Baylor Genetics
Classification: Uncertain significance for Heimler syndrome 1. Last evaluated: 2018-07-31. Review status: criteria provided, single submitter. Criteria: ACMG Guidelines, 2015. Collection method: clinical testing. Allele origin: paternal. Affected: yes.
Comment: This variant was determined to be of uncertain significance according to ACMG Guidelines, 2015 [PMID:25741868].

Eurofins Ntd Llc (ga)
Classification: Uncertain significance. Last evaluated: 2017-05-30. Review status: criteria provided, single submitter. Criteria: EGL Classification Definitions 2015. Collection method: clinical testing. Allele origin: germline. Observed: 1 variant allele, 1 heterozygote.

NM_000466.3(PEX1):c.254G>A (p.Gly85Glu)

Gene: PEX1 (peroxisomal biogenesis factor 1; minus strand). Cytogenetic location: 7q21.2.
Variant type: single nucleotide variant.
Coding change: c.254G>A on transcript NM_000466.3 (MANE Select); coding-DNA position 254, G replaced by A.
Protein change: p.Gly85Glu; replaces glycine 85 with glutamic acid.
Molecular consequence: missense variant. On other transcripts: 5 prime UTR variant (1).
Genome position (GRCh38, 1-based): chr7:92,522,121, C>T on the plus strand (G>A on the coding strand, the complement: PEX1 is on the minus strand). VCF-style: chr7-92522121-C-T. GRCh37 (hg19) VCF-style: chr7-92151435-C-T.
Other names: c.254G>A, p.Gly85Glu (NM_001282677.2); c.-406G>A (NM_001282678.2); short protein forms G85E.
Identifiers: ClinVar variation 502318 (VCV000502318.13), dbSNP rs771224088, ClinGen allele CA4341665.